The following is an entry in ClinVar:

NM_001267550.2(TTN):c.102904G>A (p.Asp34302Asn)

Genes: TTN (titin; minus strand), TTN-AS1 (TTN antisense RNA 1; plus strand). Cytogenetic location: 2q31.2.
Variant type: single nucleotide variant.
Coding change: c.102904G>A on transcript NM_001267550.2 (MANE Select); coding-DNA position 102904, G replaced by A.
Protein change: p.Asp34302Asn; replaces aspartic acid 34302 with asparagine.
Molecular consequence: missense variant.
Genome position (GRCh38, 1-based): chr2:178,533,711, C>T on the plus strand (G>A on the coding strand, the complement: TTN is on the minus strand). VCF-style: chr2-178533711-C-T. GRCh37 (hg19) VCF-style: chr2-179398438-C-T.
Other names: c.97981G>A, p.Asp32661Asn (NM_001256850.1); c.75709G>A, p.Asp25237Asn (NM_003319.4); c.95200G>A, p.Asp31734Asn (NM_133378.4); c.76084G>A, p.Asp25362Asn (NM_133432.3); c.76285G>A, p.Asp25429Asn (NM_133437.4); short protein forms D25237N, D25362N, D25429N, D31734N, D32661N, D34302N.
Identifiers: ClinVar variation 3756816 (VCV003756816.2).

ClinVar aggregate classification (germline): Uncertain significance (1 of 4 stars; one submission).

Conditions:
Dilated cardiomyopathy 1G (CMD1G). Identifiers: Orphanet 154, MedGen C1858763, MONDO:0011400, OMIM 604145.
Autosomal recessive limb-girdle muscular dystrophy type 2J (LGMDR10). Also called: Limb-girdle muscular dystrophy, type 2J; MUSCULAR DYSTROPHY, LIMB-GIRDLE, AUTOSOMAL RECESSIVE 10. Identifiers: Orphanet 140922, MedGen C1837342, MONDO:0012127, OMIM 608807.

Submission:

Labcorp Genetics (formerly Invitae), Labcorp
Classification: Uncertain significance for Dilated cardiomyopathy 1G; Autosomal recessive limb-girdle muscular dystrophy type 2J. Last evaluated: 2024-06-13. Review status: criteria provided, single submitter. Criteria: Invitae Variant Classification Sherloc (09022015). Collection method: clinical testing. Allele origin: germline.
Comment: This sequence change replaces aspartic acid, which is acidic and polar, with asparagine, which is neutral and polar, at codon 34302 of the TTN protein (p.Asp34302Asn). This variant is not present in population databases (gnomAD no frequency). This variant has not been reported in the literature in individuals affected with TTN-related conditions. Experimental studies and prediction algorithms are not available or were not evaluated, and the functional significance of this variant is currently unknown. This variant is located in the M band of TTN (PMID: 25589632). Non-truncating variants in this region may be relevant for neuromuscular disorders, but have not been definitively shown to cause cardiomyopathy (PMID: 23975875). In summary, the available evidence is currently insufficient to determine the role of this variant in disease. Therefore, it has been classified as a Variant of Uncertain Significance.

Literature cited by the submitters: PubMed 25589632; PubMed 23975875.